The following is an entry in ClinVar:

NM_004204.5(PIGQ):c.511C>T (p.Arg171Cys)

Gene: PIGQ (phosphatidylinositol glycan anchor biosynthesis class Q; plus strand). Cytogenetic location: 16p13.3.
Variant type: single nucleotide variant.
Coding change: c.511C>T on transcript NM_004204.5 (MANE Select); coding-DNA position 511, C replaced by T.
Protein change: p.Arg171Cys; replaces arginine 171 with cysteine.
Molecular consequence: missense variant.
Genome position (GRCh38, 1-based): chr16:574,585, C>T. VCF-style: chr16-574585-C-T. GRCh37 (hg19) VCF-style: chr16-624585-C-T.
Other names: c.511C>T, p.Arg171Cys (NM_148920.4); short protein forms R171C.
Identifiers: ClinVar variation 2180643 (VCV002180643.4), dbSNP rs770037553, ClinGen allele CA7779894.

ClinVar aggregate classification (germline): Uncertain significance (1 of 4 stars; one submission).

Conditions:
Epilepsy. Also called: Seizure disorder. Identifiers: MedGen C0014544, MeSH D004827, MONDO:0005027.

Allele frequency attached by ClinVar (database versions not stated): ExAC 0.00001; gnomAD 0.00001; gnomAD exomes 0.00001; TOPMed 0.00001.
gnomAD v4.1: 10 of 1,604,428 alleles (0.00062%); highest among the groups gnomAD compares: African/African-American, 0.0013%; no homozygotes.

Submission:

Labcorp Genetics (formerly Invitae), Labcorp
Classification: Uncertain significance for Epilepsy. Last evaluated: 2024-06-03. Review status: criteria provided, single submitter. Criteria: Invitae Variant Classification Sherloc (09022015). Collection method: clinical testing. Allele origin: germline.
Comment: This sequence change replaces arginine, which is basic and polar, with cysteine, which is neutral and slightly polar, at codon 171 of the PIGQ protein (p.Arg171Cys). The frequency data for this variant in the population databases is considered unreliable, as metrics indicate poor data quality at this position in the gnomAD database. This variant has not been reported in the literature in individuals affected with PIGQ-related conditions. ClinVar contains an entry for this variant (Variation ID: 2180643). An algorithm developed to predict the effect of missense changes on protein structure and function (PolyPhen-2) suggests that this variant is likely to be tolerated. In summary, the available evidence is currently insufficient to determine the role of this variant in disease. Therefore, it has been classified as a Variant of Uncertain Significance.